The following is an entry in ClinVar:

NM_001042492.3(NF1):c.6839_6840dup (p.Gly2281fs)

Gene: NF1 (neurofibromin 1; plus strand). Cytogenetic location: 17q11.2.
Variant type: Duplication.
Coding change: c.6839_6840dup on transcript NM_001042492.3 (MANE Select); coding-DNA positions 6839 to 6840, 2 bases duplicated (AA; older notation c.6839_6840dupAA).
Protein change: p.Gly2281fs; shifts the reading frame from glycine 2281.
Molecular consequence: frameshift variant.
Genome position (GRCh38, 1-based): chr17:31,338,723-31,338,724, AA duplicated; duplicating any 2 consecutive bases within chr17:31,338,721-31,338,724 gives the same sequence; the c. name uses the placement nearest the transcript's 3' end. VCF-style (leftmost placement, unchanged base first): chr17-31338720-T-TAA. GRCh37 (hg19) VCF-style: chr17-29665738-T-TAA.
Other names: c.6776_6777dup, p.Gly2260Lysfs (NM_000267.4); c.6776_6777dupAA (NM_000267.3); short protein forms G2281fs, G2260fs.
Identifiers: ClinVar variation 4039359 (VCV004039359.1).

ClinVar aggregate classification (germline): Pathogenic (1 of 4 stars; one submission).

Conditions:
Cardiovascular phenotype. Identifiers: MedGen CN230736.
Hereditary cancer-predisposing syndrome. Also called: Neoplastic Syndromes, Hereditary; Tumor predisposition; Hereditary neoplastic syndrome; Hereditary Cancer Syndrome. Identifiers: Orphanet 140162, MedGen C0027672, MeSH D009386, MONDO:0015356.

Submission:

Ambry Genetics
Classification: Pathogenic for Cardiovascular phenotype; Hereditary cancer-predisposing syndrome. Last evaluated: 2025-03-19. Review status: criteria provided, single submitter. Criteria: Ambry Variant Classification Scheme 2023. Collection method: clinical testing. Allele origin: germline.
Comment: The c.6776_6777dupAA (p.G2260Kfs*11) alteration, located in exon 45 (coding exon 45) of the NF1 gene, consists of a duplication of AA at position 6776, causing a translational frameshift with a predicted alternate stop codon after 11 amino acids. This alteration is expected to result in loss of function by premature protein truncation or nonsense-mediated mRNA decay. This variant was not reported in population-based cohorts in the Genome Aggregation Database (gnomAD). Based on the available evidence, this alteration is classified as pathogenic.